The following is an entry in ClinVar:

ClinVar aggregate classification (germline): Pathogenic (1 of 4 stars; one submission).

Conditions:
Transcobalamin II deficiency (TCN2D). Also called: TC II DEFICIENCY; TCN2 DEFICIENCY; Transcolabamin II deficiency. Identifiers: Orphanet 859, MedGen C0342701, MONDO:0010149, OMIM 275350.

gnomAD v4.1: 4 of 1,614,110 alleles (0.00025%); highest among the groups gnomAD compares: Non-Finnish European, 0.00034%; no homozygotes.

Submission:

Labcorp Genetics (formerly Invitae), Labcorp
Classification: Pathogenic for Transcobalamin II deficiency. Last evaluated: 2023-02-16. Review status: criteria provided, single submitter. Criteria: Invitae Variant Classification Sherloc (09022015). Collection method: clinical testing. Allele origin: germline.
Comment: This sequence change creates a premature translational stop signal (p.Tyr108*) in the TCN2 gene. It is expected to result in an absent or disrupted protein product. Loss-of-function variants in TCN2 are known to be pathogenic (PMID: 7980584, 20352340). This variant is present in population databases (no rsID available, gnomAD 0.0008%). This variant has not been reported in the literature in individuals affected with TCN2-related conditions. For these reasons, this variant has been classified as Pathogenic.

Literature cited by the submitters: PubMed 7980584; PubMed 20352340.

NM_000355.4(TCN2):c.324C>G (p.Tyr108Ter)

Gene: TCN2 (transcobalamin 2; plus strand). Cytogenetic location: 22q12.2.
Variant type: single nucleotide variant.
Coding change: c.324C>G on transcript NM_000355.4 (MANE Select); coding-DNA position 324, C replaced by G.
Protein change: p.Tyr108Ter; replaces tyrosine 108 with a stop codon.
Molecular consequence: nonsense.
Genome position (GRCh38, 1-based): chr22:30,612,939, C>G. VCF-style: chr22-30612939-C-G. GRCh37 (hg19) VCF-style: chr22-31008926-C-G.
Other names: c.324C>G, p.Tyr108Ter (NM_001184726.2); short protein forms Y108*.
Identifiers: ClinVar variation 2897024 (VCV002897024.3), dbSNP rs779779694, ClinGen allele CA411208494.